The following is an entry in ClinVar:

NM_001008537.3(NEXMIF):c.1995T>G (p.His665Gln)

Gene: NEXMIF (neurite extension and migration factor; minus strand). Cytogenetic location: Xq13.3.
Variant type: single nucleotide variant.
Coding change: c.1995T>G on transcript NM_001008537.3 (MANE Select); coding-DNA position 1995, T replaced by G.
Protein change: p.His665Gln; replaces histidine 665 with glutamine.
Molecular consequence: missense variant.
Genome position (GRCh38, 1-based): chrX:74,742,562, A>C on the plus strand (T>G on the coding strand, the complement: NEXMIF is on the minus strand). VCF-style: chrX-74742562-A-C. GRCh37 (hg19) VCF-style: chrX-73962397-A-C.
Other names: c.1995T>G (NM_001008537.1); short protein forms H665Q.
Identifiers: ClinVar variation 2433114 (VCV002433114.4), dbSNP rs2080110046, ClinGen allele CA413669216.

ClinVar aggregate classification (germline): Uncertain significance. Review status: criteria provided, multiple submitters, no conflicts (2 of 4 stars). 2 submissions from 2 submitters: Uncertain significance (2). Last evaluated 2026-01-25.

Conditions:
X-linked intellectual disability, Cantagrel type (XLID98). Also called: INTELLECTUAL DEVELOPMENTAL DISORDER, X-LINKED 98. Identifiers: Orphanet 85277, MedGen C3806730, MONDO:0010483, OMIM 300912.

Submissions (2):

GeneDx
Classification: Uncertain significance. Last evaluated: 2026-01-25. Review status: criteria provided, single submitter. Criteria: GeneDx Variant Classification Process June 2021. Collection method: clinical testing. Allele origin: germline.
Comment: Not observed at significant frequency in large population cohorts (gnomAD); In silico analysis suggests that this missense variant does not alter protein structure/function; Has not been previously published as pathogenic or benign to our knowledge

Revvity Omics, Revvity
Classification: Uncertain significance for X-linked intellectual disability, Cantagrel type. Last evaluated: 2019-03-21. Review status: criteria provided, single submitter. Criteria: ACMG Guidelines, 2015. Collection method: clinical testing. Allele origin: germline.